The following is an entry in ClinVar:

ClinVar aggregate classification (germline): Uncertain significance (1 of 4 stars; one submission).

Conditions:
KAT8-related disorder. Also called: KAT8-related condition.

Submission:

PreventionGenetics, part of Exact Sciences
Classification: Uncertain significance for KAT8-related condition. Last evaluated: 2025-03-13. Review status: criteria provided, single submitter. Criteria: ACMG Guidelines, 2015. Collection method: clinical testing. Allele origin: germline.
Comment: The KAT8 c.1343G>C variant is predicted to result in the amino acid substitution p.Arg448Pro. This variant resides in coding sequence of a transcript with very low expression levels based on RNAseq data, and it is deep intronic in the transcript with highest expression (NM_032188:c.1312+31G>C). To our knowledge, this variant has not been reported in the literature or in a large population database (gnomAD), indicating it is rare. At this time, the clinical significance of this variant is uncertain due to the absence of conclusive functional and genetic evidence.

NM_032188.3(KAT8):c.1312+31G>C

Gene: KAT8 (lysine acetyltransferase 8; plus strand). Cytogenetic location: 16p11.2.
Variant type: single nucleotide variant.
Coding change: c.1312+31G>C on transcript NM_032188.3 (MANE Select); 31 bases into the intron after coding-DNA position 1312, G replaced by C.
Molecular consequence: intron variant. On other transcripts: missense variant (1).
Genome position (GRCh38, 1-based): chr16:31,130,931, G>C. VCF-style: chr16-31130931-G-C. GRCh37 (hg19) VCF-style: chr16-31142252-G-C.
Other names: c.1343G>C, p.Arg448Pro (NM_182958.4); short protein forms R448P.
Identifiers: ClinVar variation 5001800 (VCV005001800.1).